The following is an entry in ClinVar:

ClinVar aggregate classification (germline): Pathogenic (1 of 4 stars; one submission).

Conditions:
Generalized epilepsy with febrile seizures plus, type 7 (GEFSP7). Also called: GEFS+, TYPE 7. Identifiers: Orphanet 36387, MedGen C2751778, MONDO:0013470, OMIM 613863.
Neuropathy, hereditary sensory and autonomic, type 2A (HSAN2A). Also called: ACROOSTEOLYSIS, NEUROGENIC; ACROOSTEOLYSIS, GIACCAI TYPE; MORVAN DISEASE; WNK1-Related HSAN2 (HSAN2A); NEUROPATHY, CONGENITAL SENSORY; NEUROPATHY, HEREDITARY SENSORY RADICULAR, AUTOSOMAL RECESSIVE. Identifiers: Orphanet 970, MedGen C2752089, MONDO:0024309, OMIM 201300.

Submission:

Labcorp Genetics (formerly Invitae), Labcorp
Classification: Pathogenic for Neuropathy, hereditary sensory and autonomic, type 2A; Generalized epilepsy with febrile seizures plus, type 7. Last evaluated: 2021-02-23. Review status: criteria provided, single submitter. Criteria: Invitae Variant Classification Sherloc (09022015). Collection method: clinical testing. Allele origin: germline.
Comment: This sequence change creates a premature translational stop signal (p.Ser825*) in the SCN9A gene. It is expected to result in an absent or disrupted protein product. Loss-of-function variants in SCN9A are known to be pathogenic (PMID: 17470132, 19304393). This variant is not present in population databases (ExAC no frequency). This variant has not been reported in the literature in individuals with SCN9A-related conditions. For these reasons, this variant has been classified as Pathogenic.

Literature cited by the submitters: PubMed 17470132; PubMed 19304393.

NM_001365536.1(SCN9A):c.2507C>A (p.Ser836Ter)

Genes: SCN1A-AS1 (SCN1A and SCN9A antisense RNA 1; plus strand), SCN9A (sodium voltage-gated channel alpha subunit 9; minus strand). Cytogenetic location: 2q24.3.
Variant type: single nucleotide variant.
Coding change: c.2507C>A on transcript NM_001365536.1 (MANE Select); coding-DNA position 2507, C replaced by A.
Protein change: p.Ser836Ter; replaces serine 836 with a stop codon.
Molecular consequence: nonsense.
Genome position (GRCh38, 1-based): chr2:166,278,150, G>T on the plus strand (C>A on the coding strand, the complement: SCN9A is on the minus strand). VCF-style: chr2-166278150-G-T. GRCh37 (hg19) VCF-style: chr2-167134660-G-T.
Other names: c.2474C>A, p.Ser825Ter (NM_002977.4); short protein forms S825*, S836*.
Identifiers: ClinVar variation 1450897 (VCV001450897.1), dbSNP rs2106471095, ClinGen allele CA349078190.